The following is an entry in ClinVar:

NM_020937.4(FANCM):c.1667A>G (p.Asp556Gly)

Gene: FANCM (FA complementation group M; plus strand). Cytogenetic location: 14q21.2.
Variant type: single nucleotide variant.
Coding change: c.1667A>G on transcript NM_020937.4 (MANE Select); coding-DNA position 1667, A replaced by G.
Protein change: p.Asp556Gly; replaces aspartic acid 556 with glycine.
Molecular consequence: missense variant.
Genome position (GRCh38, 1-based): chr14:45,164,444, A>G. VCF-style: chr14-45164444-A-G. GRCh37 (hg19) VCF-style: chr14-45633647-A-G.
Other names: c.1589A>G, p.Asp530Gly (NM_001308133.2); c.1667A>G, p.Asp556Gly (NM_001308134.2); short protein forms D556G, D530G.
Identifiers: ClinVar variation 456254 (VCV000456254.22), dbSNP rs148810507, ClinGen allele CA7169123.

ClinVar aggregate classification (germline): Conflicting classifications of pathogenicity. Review status: criteria provided, conflicting classifications (1 of 4 stars). 8 submissions from 8 submitters: Uncertain significance (7); Likely benign (1). Last evaluated 2025-04-23.

Conditions:
Spermatogenic failure 28. Identifiers: MedGen C4748117, MONDO:0054732, OMIM 618086.
Hereditary cancer. Identifiers: MedGen C1333600.
Premature ovarian failure 15. Identifiers: MedGen C4748170, MONDO:0054862, OMIM 618096.
Hereditary cancer-predisposing syndrome. Also called: Neoplastic Syndromes, Hereditary; Tumor predisposition; Hereditary neoplastic syndrome; Hereditary Cancer Syndrome. Identifiers: Orphanet 140162, MedGen C0027672, MeSH D009386, MONDO:0015356.
Fanconi anemia (FA). Also called: Fanconi's anemia. Identifiers: Orphanet 84, MedGen C0015625, MeSH D005199, MONDO:0019391.

Allele frequency attached by ClinVar (database versions not stated): gnomAD 0.00003; ESP Exome Variant Server 0.00008; ExAC 0.00014; gnomAD exomes 0.00014; TOPMed 0.00014; 1000 Genomes Project 0.00040; 1000 Genomes Project 30x 0.00047.
gnomAD v4.1: 163 of 1,613,498 alleles (0.01%); highest among the groups gnomAD compares: Middle Eastern, 0.088%; no homozygotes.

Submissions (8):

Quest Diagnostics Nichols Institute San Juan Capistrano
Classification: Uncertain significance. Last evaluated: 2025-04-23. Review status: criteria provided, single submitter. Criteria: Quest Diagnostics criteria. Collection method: clinical testing. Allele origin: unknown.
Comment: The FANCM c.1667A>G (p.Asp556Gly) variant has been reported in individuals with breast cancer (PMID: 34646395 (2021), 33471991 (2021), see also LOVD) and unspecified cancers (PMID: 28717660 (2017), 34326862 (2021)). This variant has also been identified in reportedly unaffected individuals ((PMID: 33471991 (2021), see also LOVD). The frequency of this variant in the general population (Genome Aggregation Database) is uninformative in the assessment of its pathogenicity. Analysis of this variant using bioinformatics tools for the prediction of the effect of amino acid changes on protein structure and function yielded predictions that this variant is damaging. Based on the available information, we are unable to determine the clinical significance of this variant.

GeneDx
Classification: Uncertain significance. Last evaluated: 2025-01-21. Review status: criteria provided, single submitter. Criteria: GeneDx Variant Classification Process June 2021. Collection method: clinical testing. Allele origin: germline. Affected: yes.
Comment: Observed in individuals with a personal and/or family history of breast, ovarian, or other cancers, but also seen in unaffected controls (PMID: 28717660, 28881617, 34646395, 34326862, 33471991); In silico analysis supports that this missense variant has a deleterious effect on protein structure/function; This variant is associated with the following publications: (PMID: 28717660, 28881617, 34646395, 34326862, 36848605, 33471991)

Blueprint Genetics
Classification: Uncertain significance. Last evaluated: 2024-09-02. Review status: criteria provided, single submitter. Criteria: ACMG Guidelines, 2015. Collection method: clinical testing. Allele origin: germline.

Fulgent Genetics
Classification: Uncertain significance for Spermatogenic failure 28; Premature ovarian failure 15. Last evaluated: 2024-05-25. Review status: criteria provided, single submitter. Criteria: ACMG Guidelines, 2015. Collection method: clinical testing. Allele origin: germline.

Mendelics
Classification: Likely benign for Hereditary cancer. Last evaluated: 2024-01-23. Review status: criteria provided, single submitter. Criteria: ACMG Guidelines, 2015. Collection method: clinical testing. Allele origin: unknown.

Labcorp Genetics (formerly Invitae), Labcorp
Classification: Uncertain significance for Fanconi anemia. Last evaluated: 2023-12-08. Review status: criteria provided, single submitter. Criteria: Invitae Variant Classification Sherloc (09022015). Collection method: clinical testing. Allele origin: germline.
Comment: This sequence change replaces aspartic acid, which is acidic and polar, with glycine, which is neutral and non-polar, at codon 556 of the FANCM protein (p.Asp556Gly). This variant is present in population databases (rs148810507, gnomAD 0.04%). This missense change has been observed in individual(s) with personal and/or family history of breast cancer (PMID: 34326862, 34646395). ClinVar contains an entry for this variant (Variation ID: 456254). An algorithm developed to predict the effect of missense changes on protein structure and function (PolyPhen-2) suggests that this variant is likely to be disruptive. In summary, the available evidence is currently insufficient to determine the role of this variant in disease. Therefore, it has been classified as a Variant of Uncertain Significance.

Sema4
Classification: Uncertain significance for Hereditary cancer-predisposing syndrome. Last evaluated: 2021-06-23. Review status: criteria provided, single submitter. Criteria: Sema4 Curation Guidelines. Collection method: curation. Allele origin: germline.
Comment: To the best of our knowledge, the FANCM c.1667A>G (p.D556G) variant has not been reported in individuals with FANCM-related disease. This variant was observed in 13/35436 chromosomes in the Latino subpopulation, with no homozygotes, according to the Genome Aggregation Database (PMID: 32461654) and has been reported in ClinVar (Variation ID: 456254). Functional studies have not been performed, and in silico predictions of the variant's effect on protein function are inconclusive. Based on the current evidence available, this variant is interpreted as a variant of uncertain significance.

Baylor Genetics
Classification: Uncertain significance for Spermatogenic failure 28. Last evaluated: 2020-02-23. Review status: criteria provided, single submitter. Criteria: ACMG Guidelines, 2015. Collection method: clinical testing. Allele origin: unknown. Affected: yes. Study: CSER-TexasKidsCanSeq.
Comment: This variant was determined to be of uncertain significance according to ACMG Guidelines, 2015 [PMID:25741868].

Literature cited by the submitters: PubMed 28717660 (cited by Quest Diagnostics Nichols Institute San Juan Capistrano); PubMed 34326862 (cited by Quest Diagnostics Nichols Institute San Juan Capistrano and Labcorp Genetics (formerly Invitae), Labcorp); PubMed 34646395 (cited by Quest Diagnostics Nichols Institute San Juan Capistrano and Labcorp Genetics (formerly Invitae), Labcorp); PubMed 33471991 (cited by Quest Diagnostics Nichols Institute San Juan Capistrano).